The following is an entry in ClinVar:

NM_000090.4(COL3A1):c.1387G>A (p.Glu463Lys)

Gene: COL3A1 (collagen type III alpha 1 chain; plus strand). Cytogenetic location: 2q32.2.
Variant type: single nucleotide variant.
Coding change: c.1387G>A on transcript NM_000090.4 (MANE Select); coding-DNA position 1387, G replaced by A.
Protein change: p.Glu463Lys; replaces glutamic acid 463 with lysine.
Molecular consequence: missense variant.
Genome position (GRCh38, 1-based): chr2:188,994,763, G>A. VCF-style: chr2-188994763-G-A. GRCh37 (hg19) VCF-style: chr2-189859489-G-A.
Other names: short protein forms E463K.
Identifiers: ClinVar variation 1172390 (VCV001172390.9), dbSNP rs2153502439, ClinGen allele CA349851809.

ClinVar aggregate classification (germline): Uncertain significance. Review status: criteria provided, multiple submitters, no conflicts (2 of 4 stars). 4 submissions from 4 submitters: Uncertain significance (4). Last evaluated 2026-03-20.

Conditions:
Familial thoracic aortic aneurysm and aortic dissection (TAAD). Also called: Thoracic aortic aneurysms and dissections. Identifiers: Orphanet 91387, MedGen C4707243, MONDO:0019625.
Ehlers-Danlos syndrome, type 4 (EDSVASC). Also called: Ehlers-Danlos syndrome vascular type; Ehlers Danlos syndrome, ecchymotic type; Ehlers Danlos syndrome, arterial type; Ehlers Danlos syndrome, Sack-Barabas type; Ehlers-Danlos Syndrome Type IV. Identifiers: Orphanet 286, MedGen C0268338, MONDO:0017314, OMIM 130050.

gnomAD v4.1: 3 of 1,613,426 alleles (0.00019%); highest among the groups gnomAD compares: Non-Finnish European, 0.00025%; no homozygotes.

Submissions (4):

Ambry Genetics
Classification: Uncertain significance for Familial thoracic aortic aneurysm and aortic dissection. Last evaluated: 2026-03-20. Review status: criteria provided, single submitter. Criteria: Ambry Variant Classification Scheme 2023. Collection method: clinical testing. Allele origin: germline.
Comment: The p.E463K variant (also known as c.1387G>A), located in coding exon 20 of the COL3A1 gene, results from a G to A substitution at nucleotide position 1387. The glutamic acid at codon 463 is replaced by lysine, an amino acid with similar properties. This variant was reported in individual(s) with features consistent with Ehlers-Danlos syndrome (Wei X et al. Front Genet, 2023 Dec;14:1246712). This amino acid position is highly conserved in available vertebrate species. In addition, the in silico prediction for this alteration is inconclusive. Based on the available evidence, the clinical significance of this variant remains unclear.

All of Us Research Program, National Institutes of Health
Classification: Uncertain significance for Ehlers-Danlos syndrome, type 4. Last evaluated: 2024-05-14. Review status: criteria provided, single submitter. Criteria: ACMG Guidelines, 2015. Collection method: clinical testing. Allele origin: germline. Inheritance: Autosomal dominant inheritance. Observed: 2 variant alleles, 2 heterozygotes.
Comment: This missense variant replaces glutamic acid with lysine at codon 463 of the COL3A1 protein. Computational prediction is inconclusive regarding the impact of this variant on protein structure and function (internally defined REVEL score threshold 0.5 < inconclusive < 0.7, PMID: 27666373). To our knowledge, functional studies have not been reported for this variant. This variant has not been reported in individuals affected with cardiovascular disorders in the literature. This variant has not been identified in the general population by the Genome Aggregation Database (gnomAD). The available evidence is insufficient to determine the role of this variant in disease conclusively. Therefore, this variant is classified as a Variant of Uncertain Significance.

This study involves interpretation of variants in research participants for the purpose of population health screening. Participant phenotype was not available at the time of variant classification. Additional details can be found in publication PMID: 35346344, PMCID: PMC8962531

Color Diagnostics, LLC DBA Color Health
Classification: Uncertain significance for Familial thoracic aortic aneurysm and aortic dissection. Last evaluated: 2024-05-01. Review status: criteria provided, single submitter. Criteria: ACMG Guidelines, 2015. Collection method: clinical testing. Allele origin: germline.
Comment: This missense variant replaces glutamic acid with lysine at codon 463 of the COL3A1 protein. Computational prediction tools indicate that this variant's impact on protein structure and function is inconclusive. To our knowledge, functional studies have not been reported for this variant. This variant has been reported in one individual affected with hypermobile Ehlers Danlos syndrome (PMID: 35587586). This variant has not been identified in the general population by the Genome Aggregation Database (gnomAD). The available evidence is insufficient to determine the role of this variant in disease conclusively. Therefore, this variant is classified as a Variant of Uncertain Significance.

Labcorp Genetics (formerly Invitae), Labcorp
Classification: Uncertain significance for Ehlers-Danlos syndrome, type 4. Last evaluated: 2021-08-26. Review status: criteria provided, single submitter. Criteria: Invitae Variant Classification Sherloc (09022015). Collection method: clinical testing. Allele origin: germline.
Comment: This sequence change replaces glutamic acid with lysine at codon 463 of the COL3A1 protein (p.Glu463Lys). The glutamic acid residue is highly conserved and there is a small physicochemical difference between glutamic acid and lysine. This variant is not present in population databases (ExAC no frequency). This variant has not been reported in the literature in individuals affected with COL3A1-related conditions. ClinVar contains an entry for this variant (Variation ID: 1172390). Advanced modeling of protein sequence and biophysical properties (such as structural, functional, and spatial information, amino acid conservation, physicochemical variation, residue mobility, and thermodynamic stability) performed at Invitae indicates that this missense variant is not expected to disrupt COL3A1 protein function. In summary, the available evidence is currently insufficient to determine the role of this variant in disease. Therefore, it has been classified as a Variant of Uncertain Significance.

Literature cited by the submitters: PubMed 38174045 (cited by Ambry Genetics); PubMed 35587586 (cited by Color Diagnostics, LLC DBA Color Health).